The following is an entry in ClinVar:

ClinVar aggregate classification (germline): Likely pathogenic (1 of 4 stars; one submission).

Conditions:
Arrhythmogenic right ventricular dysplasia 8 (ARVD8). Also called: Arrhythmogenic Right Ventricular Dysplasia/Cardiomyopathy 8; ARRHYTHMOGENIC RIGHT VENTRICULAR DYSPLASIA, FAMILIAL, 8; ARRHYTHMOGENIC RIGHT VENTRICULAR CARDIOMYOPATHY 8. Identifiers: MedGen C1843896, MONDO:0011831, OMIM 607450.

Submission:

Institute of Medical Genetics and Applied Genomics, University Hospital Tübingen
Classification: Likely pathogenic for Arrhythmogenic right ventricular dysplasia 8. Last evaluated: 2025-11-21. Review status: criteria provided, single submitter. Criteria: ACMG Guidelines, 2015. Collection method: clinical testing. Allele origin: de novo. Inheritance: Autosomal dominant inheritance. Affected: yes.
Comment: de novo variant with unconfirmed parental relationship

NM_004415.4(DSP):c.7869dup (p.Asp2624Ter)

Gene: DSP (desmoplakin; plus strand). Cytogenetic location: 6p24.3.
Variant type: Duplication.
Coding change: c.7869dup on transcript NM_004415.4 (MANE Select); coding-DNA position 7869, one base duplicated (T; older notation c.7869dupT).
Protein change: p.Asp2624Ter; replaces aspartic acid 2624 with a stop codon.
Molecular consequence: nonsense.
Genome position (GRCh38, 1-based): chr6:7,585,131, T duplicated; the last of 3 consecutive T bases (chr6:7,585,129-7,585,131); duplicating any one gives the same sequence. VCF-style (leftmost placement, unchanged base first): chr6-7585128-C-CT. GRCh37 (hg19) VCF-style: chr6-7585361-C-CT.
Other names: c.6072dup, p.Asp2025Ter (NM_001008844.3); c.6540dup, p.Asp2181Ter (NM_001319034.2); short protein forms D2025*, D2181*, D2624*.
Identifiers: ClinVar variation 4075747 (VCV004075747.2).